The following is an entry in ClinVar:

ClinVar aggregate classification (germline): Uncertain significance (1 of 4 stars; one submission).

Submission:

Labcorp Genetics (formerly Invitae), Labcorp
Classification: Uncertain significance. Last evaluated: 2023-07-10. Review status: criteria provided, single submitter. Criteria: Invitae Variant Classification Sherloc (09022015). Collection method: clinical testing. Allele origin: germline.
Comment: In summary, the available evidence is currently insufficient to determine the role of this variant in disease. Therefore, it has been classified as a Variant of Uncertain Significance. An algorithm developed to predict the effect of missense changes on protein structure and function (PolyPhen-2) suggests that this variant is likely to be tolerated. ClinVar contains an entry for this variant (Variation ID: 2131148). This variant has not been reported in the literature in individuals affected with IFT74-related conditions. This variant is not present in population databases (gnomAD no frequency). This sequence change replaces glutamine, which is neutral and polar, with glutamic acid, which is acidic and polar, at codon 200 of the IFT74 protein (p.Gln200Glu).

NM_025103.4(IFT74):c.598C>G (p.Gln200Glu)

Gene: IFT74 (intraflagellar transport 74; plus strand). Cytogenetic location: 9p21.2.
Variant type: single nucleotide variant.
Coding change: c.598C>G on transcript NM_025103.4 (MANE Select); coding-DNA position 598, C replaced by G.
Protein change: p.Gln200Glu; replaces glutamine 200 with glutamic acid.
Molecular consequence: missense variant.
Genome position (GRCh38, 1-based): chr9:27,009,030, C>G. VCF-style: chr9-27009030-C-G. GRCh37 (hg19) VCF-style: chr9-27009028-C-G.
Other names: c.598C>G, p.Gln200Glu (NM_001099222.3, NM_001099223.3, NM_001099224.3 and 1 more transcripts); short protein forms Q200E.
Identifiers: ClinVar variation 2131148 (VCV002131148.4), dbSNP rs375696347, ClinGen allele CA373116095.